The following is an entry in ClinVar:

ClinVar aggregate classification (germline): Uncertain significance (1 of 4 stars; one submission).

Conditions:
Cardiomyopathy (CMYO). Also called: Cardiomyopathies. Identifiers: Orphanet 167848, MedGen C0878544, MONDO:0004994, HP:0001638. Inheritance: Various modes of inheritance.

Submission:

Color Diagnostics, LLC DBA Color Health
Classification: Uncertain significance for Cardiomyopathy. Last evaluated: 2024-03-07. Review status: criteria provided, single submitter. Criteria: ACMG Guidelines, 2015. Collection method: clinical testing. Allele origin: germline.
Comment: This missense variant replaces isoleucine with asparagine at codon 4617 of the RYR2 protein. Computational prediction suggests that this variant may have deleterious impact on protein structure and function (internally defined REVEL score threshold >= 0.7, PMID: 27666373). To our knowledge, functional studies have not been reported for this variant. This variant has not been reported in individuals affected with cardiovascular disorders in the literature. This variant has not been identified in the general population by the Genome Aggregation Database (gnomAD). The available evidence is insufficient to determine the role of this variant in disease conclusively. Therefore, this variant is classified as a Variant of Uncertain Significance.

NM_001035.3(RYR2):c.13850T>A (p.Ile4617Asn)

Gene: RYR2 (ryanodine receptor 2; plus strand). Cytogenetic location: 1q43.
Variant type: single nucleotide variant.
Coding change: c.13850T>A on transcript NM_001035.3 (MANE Select); coding-DNA position 13850, T replaced by A.
Protein change: p.Ile4617Asn; replaces isoleucine 4617 with asparagine.
Molecular consequence: missense variant.
Genome position (GRCh38, 1-based): chr1:237,793,934, T>A. VCF-style: chr1-237793934-T-A. GRCh37 (hg19) VCF-style: chr1-237957234-T-A.
Other names: short protein forms I4617N.
Identifiers: ClinVar variation 1332272 (VCV001332272.3), dbSNP rs2149388189, ClinGen allele CA345418153.
Genomic context (GRCh38, chr1:237,793,934, plus strand): 5'-TGGTTATTTTTAAGCGAGAAAAGGAAGTGGCACGGAAATTGGAATTTGATGGGCTTTATA[T>A]TACAGAACAGCCTTCAGAAGATGATATTAAAGGCCAGTGGGATAGACTCGTAATCAACAC-3'
Protein context (NP_001026.2, residues 4607-4627): ARKLEFDGLY[Ile4617Asn]TEQPSEDDIK